The following is an entry in ClinVar:

ClinVar aggregate classification (germline): Uncertain significance (1 of 4 stars; one submission).

Submission:

Labcorp Genetics (formerly Invitae), Labcorp
Classification: Uncertain significance. Last evaluated: 2023-12-01. Review status: criteria provided, single submitter. Criteria: Invitae Variant Classification Sherloc (09022015). Collection method: clinical testing. Allele origin: germline.
Comment: This sequence change replaces glycine, which is neutral and non-polar, with alanine, which is neutral and non-polar, at codon 1047 of the DGKZ protein (p.Gly1047Ala). This variant is not present in population databases (gnomAD no frequency). This variant has not been reported in the literature in individuals affected with DGKZ-related conditions. An algorithm developed to predict the effect of missense changes on protein structure and function (PolyPhen-2) suggests that this variant is likely to be disruptive. In summary, the available evidence is currently insufficient to determine the role of this variant in disease. Therefore, it has been classified as a Variant of Uncertain Significance.

NM_001199267.2(DGKZ):c.2573G>C (p.Gly858Ala)

Gene: DGKZ (diacylglycerol kinase zeta; plus strand). Cytogenetic location: 11p11.2.
Variant type: single nucleotide variant.
Coding change: c.2573G>C on transcript NM_001199267.2 (MANE Select); coding-DNA position 2573, G replaced by C.
Protein change: p.Gly858Ala; replaces glycine 858 with alanine.
Molecular consequence: missense variant.
Genome position (GRCh38, 1-based): chr11:46,379,471, G>C. VCF-style: chr11-46379471-G-C. GRCh37 (hg19) VCF-style: chr11-46401021-G-C.
Other names: c.2576G>C, p.Gly859Ala (NM_003646.4); c.2624G>C, p.Gly875Ala (NM_201532.3); c.2588G>C, p.Gly863Ala (NM_201533.3); c.3140G>C, p.Gly1047Ala (NM_001105540.2); c.2591G>C, p.Gly864Ala (NM_001199266.2); c.2507G>C, p.Gly836Ala (NM_001199268.2); short protein forms G864A, G836A, G863A, G858A, G875A, G1047A, G859A.
Identifiers: ClinVar variation 2698466 (VCV002698466.3), dbSNP rs2496608633, ClinGen allele CA380227977.